The following is an entry in ClinVar:

ClinVar aggregate classification (germline): Pathogenic. Review status: criteria provided, multiple submitters, no conflicts (2 of 4 stars). 2 submissions from 2 submitters: Pathogenic (2). Last evaluated 2023-08-23.

Conditions:
Hereditary cancer-predisposing syndrome. Also called: Tumor predisposition; Hereditary Cancer Syndrome; Hereditary neoplastic syndrome; Neoplastic Syndromes, Hereditary. Identifiers: Orphanet 140162, MedGen C0027672, MeSH D009386, MONDO:0015356.
Lynch syndrome 5 (LYNCH5). Also called: Hereditary non-polyposis colorectal cancer, type 5; Colorectal cancer, hereditary nonpolyposis, type 5. Identifiers: Orphanet 144, MedGen C1833477, MONDO:0013710, OMIM 614350. Disease mechanism: loss of function.

Allele frequency attached by ClinVar (database versions not stated): ExAC 0.00001.

Submissions (2):

Myriad Genetics, Inc.
Classification: Pathogenic for Lynch syndrome 5. Last evaluated: 2023-08-23. Review status: criteria provided, single submitter. Criteria: Myriad Autosomal Dominant, Autosomal Recessive and X-Linked Classification Criteria (2023). Collection method: clinical testing. Allele origin: unknown.
Comment: This variant is considered pathogenic. This variant creates a termination codon and is predicted to result in premature protein truncation.

Ambry Genetics
Classification: Pathogenic for Hereditary cancer-predisposing syndrome. Last evaluated: 2023-08-11. Review status: criteria provided, single submitter. Criteria: Ambry Variant Classification Scheme 2023. Collection method: clinical testing. Allele origin: germline.
Comment: The p.L1149* pathogenic mutation (also known as c.3446T>A), located in coding exon 6 of the MSH6 gene, results from a T to A substitution at nucleotide position 3446. This changes the amino acid from a leucine to a stop codon within coding exon 6. This alteration is expected to result in loss of function by premature protein truncation or nonsense-mediated mRNA decay. This variant is considered to be rare based on population cohorts in the Genome Aggregation Database (gnomAD). As such, this alteration is interpreted as a disease-causing mutation.

NM_000179.3(MSH6):c.3446T>A (p.Leu1149Ter)

Gene: MSH6 (mutS homolog 6; plus strand). Cytogenetic location: 2p16.3.
Variant type: single nucleotide variant.
Coding change: c.3446T>A on transcript NM_000179.3 (MANE Select); coding-DNA position 3446, T replaced by A.
Protein change: p.Leu1149Ter; replaces leucine 1149 with a stop codon.
Molecular consequence: nonsense. On other transcripts: non-coding transcript variant (4).
Genome position (GRCh38, 1-based): chr2:47,804,917, T>A. VCF-style: chr2-47804917-T-A. GRCh37 (hg19) VCF-style: chr2-48032056-T-A.
Other names: c.1880T>A, p.Leu627Ter (NM_001406817.1); c.3149T>A, p.Leu1050Ter (NM_001406818.1, NM_001406819.1, NM_001406820.1 and 10 more transcripts); c.2540T>A, p.Leu847Ter (NM_001406823.1, NM_001406829.1, NM_001281493.2 and 6 more transcripts); c.3278T>A, p.Leu1093Ter (NM_001406826.1); c.227T>A, p.Leu76Ter (NM_001406831.1); c.293T>A, p.Leu98Ter (NM_001406832.1); c.1391T>A, p.Leu464Ter (NM_001407362.1); c.3056T>A, p.Leu1019Ter (NM_001281492.2); and 7 more; short protein forms L1149*, L76*, L847*, L1093*, L1123*, L1151*, L464*, L974*.
Identifiers: ClinVar variation 2587344 (VCV002587344.3), dbSNP rs768792513, ClinGen allele CA070960.